The following is an entry in ClinVar:

ClinVar aggregate classification (germline): Uncertain significance (1 of 4 stars; one submission).

Conditions:
Peutz-Jeghers syndrome (PJS). Also called: Peutz-Jeghers polyposis; Periorificial lentiginosis syndrome; POLYPOSIS, HAMARTOMATOUS INTESTINAL; POLYPS-AND-SPOTS SYNDROME. Identifiers: Orphanet 2869, MedGen C0031269, MeSH D010580, MONDO:0008280, OMIM 175200.

Submission:

Labcorp Genetics (formerly Invitae), Labcorp
Classification: Uncertain significance for Peutz-Jeghers syndrome. Last evaluated: 2021-04-12. Review status: criteria provided, single submitter. Criteria: Invitae Variant Classification Sherloc (09022015). Collection method: clinical testing. Allele origin: germline.
Comment: Advanced modeling of experimental studies (such as gene expression, population dynamics, functional pathways, and cell-cycle effects in cell culture) performed at Invitae indicates that this missense variant is not expected to disrupt STK11 protein function. This variant has not been reported in the literature in individuals with STK11-related conditions. This variant is not present in population databases (ExAC no frequency). This sequence change replaces methionine with isoleucine at codon 289 of the STK11 protein (p.Met289Ile). The methionine residue is highly conserved and there is a small physicochemical difference between methionine and isoleucine. In summary, the available evidence is currently insufficient to determine the role of this variant in disease. Therefore, it has been classified as a Variant of Uncertain Significance.

NM_000455.5(STK11):c.867G>A (p.Met289Ile)

Gene: STK11 (serine/threonine kinase 11; plus strand). Cytogenetic location: 19p13.3.
Variant type: single nucleotide variant.
Coding change: c.867G>A on transcript NM_000455.5 (MANE Select); coding-DNA position 867, G replaced by A.
Protein change: p.Met289Ile; replaces methionine 289 with isoleucine.
Molecular consequence: missense variant.
Genome position (GRCh38, 1-based): chr19:1,221,953, G>A. VCF-style: chr19-1221953-G-A. GRCh37 (hg19) VCF-style: chr19-1221952-G-A.
Other names: short protein forms M289I.
Identifiers: ClinVar variation 1465046 (VCV001465046.8), dbSNP rs2145428623, ClinGen allele CA402951156.